The following is an entry in ClinVar:

NM_004958.4(MTOR):c.5516_5527dup (p.Thr1839_Ala1842dup)

Gene: MTOR (mechanistic target of rapamycin kinase; minus strand). Cytogenetic location: 1p36.22.
Variant type: Duplication.
Coding change: c.5516_5527dup on transcript NM_004958.4 (MANE Select); coding-DNA positions 5516 to 5527, 12 bases duplicated (CCACCACTGCCA).
Protein change: p.Thr1839_Ala1842dup.
Molecular consequence: inframe insertion.
Genome position (GRCh38, 1-based): chr1:11,130,615-11,130,626, TGGCAGTGGTGG duplicated on the plus strand (CCACCACTGCCA on the coding strand, the reverse complement: MTOR is on the minus strand); duplicating any 12 consecutive bases within chr1:11,130,615-11,130,635 gives the same sequence; the c. name uses the placement nearest the transcript's 3' end. VCF-style (leftmost placement, unchanged base first): chr1-11130614-C-CTGGCAGTGGTGG. GRCh37 (hg19) VCF-style: chr1-11190671-C-CTGGCAGTGGTGG.
Identifiers: ClinVar variation 960936 (VCV000960936.1), dbSNP rs777542989, ClinGen allele CA1139655960.
Genomic context (GRCh38, chr1:11,130,614, plus strand): 5'-GATGGGGTGGGGCTGTTCTCGGTGCTCTCGGCCTCGCTCTCACTGTTGCTGCCCTCGGTG[C>CTGGCAGTGGTGG]TGGCAGTGGTGGTGGCAGTGGCGGCCGTGGTGGCGGCAGTGGTGGCGTTGGTGATGTTGG-3'

ClinVar aggregate classification (germline): Uncertain significance (1 of 4 stars; one submission).

Submission:

Labcorp Genetics (formerly Invitae), Labcorp
Classification: Uncertain significance. Last evaluated: 2019-09-16. Review status: criteria provided, single submitter. Criteria: Invitae Variant Classification Sherloc (09022015). Collection method: clinical testing. Allele origin: germline.
Comment: This variant, c.5516_5527dup, results in the insertion of 4 amino acid(s) to the MTOR protein (p.Thr1839_Ala1842dup), but otherwise preserves the integrity of the reading frame. This variant is not present in population databases (ExAC no frequency). This variant has not been reported in the literature in individuals with MTOR-related conditions. Experimental studies and prediction algorithms are not available or were not evaluated for this variant, and the functional significance of this variant is currently unknown. In summary, the available evidence is currently insufficient to determine the role of this variant in disease. Therefore, it has been classified as a Variant of Uncertain Significance.